The following is an entry in ClinVar:

NM_002292.4(LAMB2):c.3095G>A (p.Arg1032Gln)

Gene: LAMB2 (laminin subunit beta 2; minus strand). Cytogenetic location: 3p21.31.
Variant type: single nucleotide variant.
Coding change: c.3095G>A on transcript NM_002292.4 (MANE Select); coding-DNA position 3095, G replaced by A.
Protein change: p.Arg1032Gln; replaces arginine 1032 with glutamine.
Molecular consequence: missense variant.
Genome position (GRCh38, 1-based): chr3:49,124,715, C>T on the plus strand (G>A on the coding strand, the complement: LAMB2 is on the minus strand). VCF-style: chr3-49124715-C-T. GRCh37 (hg19) VCF-style: chr3-49162148-C-T.
Other names: c.3095G>A (NM_002292.3); short protein forms R1032Q.
Identifiers: ClinVar variation 2173628 (VCV002173628.5), dbSNP rs1156323184, ClinGen allele CA352712986.

ClinVar aggregate classification (germline): Uncertain significance. Review status: criteria provided, multiple submitters, no conflicts (2 of 4 stars). 2 submissions from 2 submitters: Uncertain significance (2). Last evaluated 2022-12-19.

Conditions:
Inborn genetic diseases. Identifiers: MedGen C0950123, MeSH D030342.
Pierson syndrome. Also called: MICROCORIA-CONGENITAL NEPHROTIC SYNDROME. Identifiers: Orphanet 2670, MedGen C1836876, MONDO:0012184, OMIM 609049.
LAMB2-related infantile-onset nephrotic syndrome. Also called: NEPHROTIC SYNDROME, TYPE 5, WITHOUT OCULAR ABNORMALITIES; NEPHROTIC SYNDROME, TYPE 5, WITH OCULAR ABNORMALITIES; Nephrotic Syndrome, type 5. Identifiers: Orphanet 306507, MedGen C3280113, MONDO:0013621, OMIM 614199.

Allele frequency attached by ClinVar (database versions not stated): gnomAD 0.00001; gnomAD exomes 0.00001.
gnomAD v4.1: 12 of 1,614,060 alleles (0.00074%); highest among the groups gnomAD compares: Admixed American, 0.0017%; no homozygotes.

Submissions (2):

Ambry Genetics
Classification: Uncertain significance for Inborn genetic diseases. Last evaluated: 2022-12-19. Review status: criteria provided, single submitter. Criteria: Ambry Variant Classification Scheme 2023. Collection method: clinical testing. Allele origin: germline.

Labcorp Genetics (formerly Invitae), Labcorp
Classification: Uncertain significance for LAMB2-related infantile-onset nephrotic syndrome; Pierson syndrome. Last evaluated: 2022-05-13. Review status: criteria provided, single submitter. Criteria: Invitae Variant Classification Sherloc (09022015). Collection method: clinical testing. Allele origin: germline.
Comment: In summary, the available evidence is currently insufficient to determine the role of this variant in disease. Therefore, it has been classified as a Variant of Uncertain Significance. This sequence change replaces arginine, which is basic and polar, with glutamine, which is neutral and polar, at codon 1032 of the LAMB2 protein (p.Arg1032Gln). This variant is present in population databases (no rsID available, gnomAD 0.002%). This variant has not been reported in the literature in individuals affected with LAMB2-related conditions. Algorithms developed to predict the effect of missense changes on protein structure and function output the following: SIFT: "Deleterious"; PolyPhen-2: "Benign"; Align-GVGD: "Class C0". The glutamine amino acid residue is found in multiple mammalian species, which suggests that this missense change does not adversely affect protein function.